The following is an entry in ClinVar:

NM_002691.4(POLD1):c.2041C>T (p.Leu681Phe)

Gene: POLD1 (DNA polymerase delta 1, catalytic subunit; plus strand). Cytogenetic location: 19q13.33.
Variant type: single nucleotide variant.
Coding change: c.2041C>T on transcript NM_002691.4 (MANE Select); coding-DNA position 2041, C replaced by T.
Protein change: p.Leu681Phe; replaces leucine 681 with phenylalanine.
Molecular consequence: missense variant. On other transcripts: non-coding transcript variant (1).
Genome position (GRCh38, 1-based): chr19:50,409,553, C>T. VCF-style: chr19-50409553-C-T. GRCh37 (hg19) VCF-style: chr19-50912810-C-T.
Other names: c.2041C>T, p.Leu681Phe (NM_001256849.1); c.2119C>T, p.Leu707Phe (NM_001308632.1); short protein forms L681F, L707F.
Identifiers: ClinVar variation 1307036 (VCV001307036.5), dbSNP rs750594314, ClinGen allele CA406982508.

ClinVar aggregate classification (germline): Uncertain significance. Review status: criteria provided, multiple submitters, no conflicts (2 of 4 stars). 2 submissions from 2 submitters: Uncertain significance (2). Last evaluated 2023-10-12.

Conditions:
POLD1-related polyposis and colorectal cancer syndrome (CRCS10). Also called: Colorectal cancer, susceptibility to, 10; Colorectal cancer 10; COLORECTAL CANCER, SUSCEPTIBILITY TO, ON CHROMOSOME 19q. Identifiers: Orphanet 220460, MedGen C2675481, MONDO:0012953, OMIM 612591.

Submissions (2):

Labcorp Genetics (formerly Invitae), Labcorp
Classification: Uncertain significance for POLD1-related polyposis and colorectal cancer syndrome. Last evaluated: 2023-10-12. Review status: criteria provided, single submitter. Criteria: Invitae Variant Classification Sherloc (09022015). Collection method: clinical testing. Allele origin: germline.
Comment: This sequence change replaces leucine, which is neutral and non-polar, with phenylalanine, which is neutral and non-polar, at codon 681 of the POLD1 protein (p.Leu681Phe). This variant is not present in population databases (gnomAD no frequency). This variant has not been reported in the literature in individuals affected with POLD1-related conditions. ClinVar contains an entry for this variant (Variation ID: 1307036). Advanced modeling of protein sequence and biophysical properties (such as structural, functional, and spatial information, amino acid conservation, physicochemical variation, residue mobility, and thermodynamic stability) performed at Invitae indicates that this missense variant is not expected to disrupt POLD1 protein function. In summary, the available evidence is currently insufficient to determine the role of this variant in disease. Therefore, it has been classified as a Variant of Uncertain Significance.

GeneDx
Classification: Uncertain significance. Last evaluated: 2019-07-08. Review status: criteria provided, single submitter. Criteria: GeneDx Variant Classification Process June 2021. Collection method: clinical testing. Allele origin: germline. Affected: yes.
Comment: Not observed in large population cohorts (Lek et al., 2016); In silico analysis, which includes protein predictors and evolutionary conservation, supports that this variant does not alter protein structure/function; Has not been previously published as pathogenic or benign to our knowledge